The following is an entry in ClinVar:

NM_001282597.3(CTNNA2):c.1224C>T (p.Ser408=)

Gene: CTNNA2 (catenin alpha 2; plus strand). Cytogenetic location: 2p12.
Variant type: single nucleotide variant.
Coding change: c.1224C>T on transcript NM_001282597.3 (MANE Select); coding-DNA position 1224, C replaced by T.
Protein change: p.Ser408=; no amino-acid change (serine 408 retained).
Molecular consequence: synonymous variant.
Genome position (GRCh38, 1-based): chr2:80,419,535, C>T. VCF-style: chr2-80419535-C-T. GRCh37 (hg19) VCF-style: chr2-80646660-C-T.
Other names: c.1224C>T, p.Ser408= (NM_001164883.2, NM_004389.4); c.1326C>T, p.Ser442= (NM_001282598.2); c.261C>T, p.Ser87= (NM_001282599.2); c.120C>T, p.Ser40= (NM_001282600.2, NM_001320810.2); c.1224C>T (NM_001282597.2).
Identifiers: ClinVar variation 715219 (VCV000715219.36), dbSNP rs148134866, ClinGen allele CA1735578.

ClinVar aggregate classification (germline): Benign/Likely benign. Review status: criteria provided, multiple submitters, no conflicts (2 of 4 stars). 4 submissions from 4 submitters: Benign (2); Likely benign (1). 1 of the submissions does not count toward it. Last evaluated 2026-06-01.

Conditions:
CTNNA2-related disorder. Also called: CTNNA2-related condition.

Allele frequency attached by ClinVar (database versions not stated): ExAC 0.00085; 1000 Genomes Project 0.00100; 1000 Genomes Project 30x 0.00125; gnomAD 0.00190 and 0.00210; TOPMed 0.00237; ESP Exome Variant Server 0.00248.
gnomAD v4.1: 1,371 of 1,613,660 alleles (0.085%); highest among the groups gnomAD compares: African/African-American, 0.59%; 3 homozygotes.

Submissions (4):

CeGaT Center for Human Genetics Tuebingen
Classification: Likely benign. Last evaluated: 2026-06-01. Review status: criteria provided, single submitter. Criteria: CeGaT Center For Human Genetics Tuebingen Variant Classification Criteria Version 2. Collection method: clinical testing. Allele origin: germline. Affected: yes. Observed: 6 variant alleles.
Comment: CTNNA2: BP4, BP7

Labcorp Genetics (formerly Invitae), Labcorp
Classification: Benign. Last evaluated: 2018-12-01. Review status: criteria provided, single submitter. Criteria: Invitae Variant Classification Sherloc (09022015). Collection method: clinical testing. Allele origin: germline.

Breakthrough Genomics
Classification: Benign. Review status: criteria provided, single submitter. Criteria: ACMG Guidelines, 2015. Collection method: not provided. Allele origin: germline. Inheritance: Autosomal recessive inheritance. Affected: yes.

PreventionGenetics, part of Exact Sciences
Classification: Likely benign for CTNNA2-related condition. Last evaluated: 2019-03-25. Review status: no assertion criteria provided. Collection method: clinical testing. Allele origin: germline. Not counted in ClinVar's aggregate classification.
Comment: This variant is classified as likely benign based on ACMG/AMP sequence variant interpretation guidelines (Richards et al. 2015 PMID: 25741868, with internal and published modifications).